The following is an entry in ClinVar:

NM_017886.4(ULK4):c.116A>G (p.Lys39Arg)

Gene: ULK4 (unc-51 like kinase 4; minus strand). Cytogenetic location: 3p22.1.
Variant type: single nucleotide variant.
Coding change: c.116A>G on transcript NM_017886.4 (MANE Select); coding-DNA position 116, A replaced by G.
Protein change: p.Lys39Arg; replaces lysine 39 with arginine.
Molecular consequence: missense variant. On other transcripts: 5 prime UTR variant (1), non-coding transcript variant (1).
Genome position (GRCh38, 1-based): chr3:41,954,644, T>C on the plus strand (A>G on the coding strand, the complement: ULK4 is on the minus strand). VCF-style: chr3-41954644-T-C. GRCh37 (hg19) VCF-style: chr3-41996136-T-C.
Other names: c.116A>G, p.Lys39Arg (NM_001322500.2); c.-715A>G (NM_001322501.2); short protein forms K39R.
Identifiers: ClinVar variation 403591 (VCV000403591.5), dbSNP rs2272007, ClinGen allele CA2332838.

ClinVar aggregate classification (germline): Benign. Review status: criteria provided, multiple submitters, no conflicts (2 of 4 stars). 2 submissions from 2 submitters: Benign (2). Last evaluated 2016-03-29.

Allele frequency attached by ClinVar (database versions not stated): TOPMed 0.66789; gnomAD 0.67027 and 0.68127; ESP Exome Variant Server 0.67839; 1000 Genomes Project 30x 0.67895; 1000 Genomes Project 0.68211; ExAC 0.78694; gnomAD exomes 0.79371 and 0.82013.
gnomAD v4.1: 1,300,122 of 1,613,112 alleles (81%); highest among the groups gnomAD compares: East Asian, 85%; 533,999 homozygotes.

Submissions (2):

Laboratory for Molecular Medicine, Mass General Brigham Personalized Medicine
Classification: Benign. Last evaluated: 2016-03-29. Review status: criteria provided, single submitter. Criteria: LMM Criteria. Collection method: clinical testing. Allele origin: germline.
Comment: Variant identified in a genome or exome case(s) and assessed due to predicted null impact of the variant or pathogenic assertions in the literature or databases. Disclaimer: This variant has not undergone full assessment. The following are preliminary notes: Frequency

Breakthrough Genomics
Classification: Benign. Review status: criteria provided, single submitter. Criteria: ACMG Guidelines, 2015. Collection method: not provided. Allele origin: germline. Inheritance: Unknown mechanism. Affected: yes.